The following is an entry in ClinVar:

NM_176824.3(BBS7):c.2105G>T (p.Ser702Ile)

Gene: BBS7 (Bardet-Biedl syndrome 7; minus strand). Cytogenetic location: 4q27.
Variant type: single nucleotide variant.
Coding change: c.2105G>T on transcript NM_176824.3 (MANE Select); coding-DNA position 2105, G replaced by T.
Protein change: p.Ser702Ile; replaces serine 702 with isoleucine.
Molecular consequence: missense variant.
Genome position (GRCh38, 1-based): chr4:121,825,903, C>A on the plus strand (G>T on the coding strand, the complement: BBS7 is on the minus strand). VCF-style: chr4-121825903-C-A. GRCh37 (hg19) VCF-style: chr4-122747058-C-A.
Other names: short protein forms S702I.
Identifiers: ClinVar variation 1923092 (VCV001923092.3), dbSNP rs1276357526, ClinGen allele CA358053392.
Genomic context (GRCh38, chr4:121,825,903, plus strand): 5'-TTTACCTTATTTGTATGTCATGCTGCATCGAAGAATGAAATCAATGCATTTTGGTCATAA[C>A]TGTCCAGAATTTCCAATAGAAGGGGTACTTTAGTTTTTACATTGGTGCCTTTAAACTTAA-3'
Protein context (NP_789794.1, residues 692-712): KVPLLLEILD[Ser702Ile]YDQNALISFF

ClinVar aggregate classification (germline): Uncertain significance. Review status: criteria provided, multiple submitters, no conflicts (2 of 4 stars). 2 submissions from 2 submitters: Uncertain significance (2). Last evaluated 2022-04-01.

Conditions:
Bardet-Biedl syndrome (BBS). Identifiers: Orphanet 110, MedGen C0752166, MONDO:0015229.

Allele frequency attached by ClinVar (database versions not stated): gnomAD exomes below 0.00001; gnomAD 0.00001.
gnomAD v4.1: 4 of 1,613,008 alleles (0.00025%); highest among the groups gnomAD compares: Admixed American, 0.0033%; no homozygotes.

Submissions (2):

Labcorp Genetics (formerly Invitae), Labcorp
Classification: Uncertain significance for Bardet-Biedl syndrome. Last evaluated: 2022-04-01. Review status: criteria provided, single submitter. Criteria: Invitae Variant Classification Sherloc (09022015). Collection method: clinical testing. Allele origin: germline.
Comment: This sequence change replaces serine, which is neutral and polar, with isoleucine, which is neutral and non-polar, at codon 702 of the BBS7 protein (p.Ser702Ile). This variant is not present in population databases (gnomAD no frequency). This variant has not been reported in the literature in individuals affected with BBS7-related conditions. Algorithms developed to predict the effect of missense changes on protein structure and function are either unavailable or do not agree on the potential impact of this missense change (SIFT: "Deleterious"; PolyPhen-2: "Possibly Damaging"; Align-GVGD: "Class C15"). In summary, the available evidence is currently insufficient to determine the role of this variant in disease. Therefore, it has been classified as a Variant of Uncertain Significance.

Blueprint Genetics
Classification: Uncertain significance. Last evaluated: 2022-01-17. Review status: criteria provided, single submitter. Criteria: ACMG Guidelines, 2015. Collection method: clinical testing. Allele origin: germline.